The following is an entry in ClinVar:

NM_177438.3(DICER1):c.5622C>G (p.Tyr1874Ter)

Gene: DICER1 (dicer 1, ribonuclease III; minus strand). Cytogenetic location: 14q32.13.
Variant type: single nucleotide variant.
Coding change: c.5622C>G on transcript NM_177438.3 (MANE Select); coding-DNA position 5622, C replaced by G.
Protein change: p.Tyr1874Ter; replaces tyrosine 1874 with a stop codon.
Molecular consequence: nonsense. On other transcripts: missense variant (1).
Genome position (GRCh38, 1-based): chr14:95,090,645, G>C on the plus strand (C>G on the coding strand, the complement: DICER1 is on the minus strand). VCF-style: chr14-95090645-G-C. GRCh37 (hg19) VCF-style: chr14-95556982-G-C.
Other names: c.5459C>G, p.Thr1820Arg (NM_001195573.1); c.5622C>G, p.Tyr1874Ter (NM_001271282.3, NM_001291628.2, NM_030621.4); short protein forms T1820R, Y1874*.
Identifiers: ClinVar variation 933131 (VCV000933131.7), dbSNP rs769490774, ClinGen allele CA390863709.

ClinVar aggregate classification (germline): Uncertain significance. Review status: criteria provided, multiple submitters, no conflicts (2 of 4 stars). 3 submissions from 3 submitters: Uncertain significance (3). Last evaluated 2025-07-30.

Conditions:
Hereditary cancer-predisposing syndrome. Also called: Tumor predisposition; Hereditary neoplastic syndrome; Neoplastic Syndromes, Hereditary; Hereditary Cancer Syndrome. Identifiers: Orphanet 140162, MedGen C0027672, MeSH D009386, MONDO:0015356.
DICER1-related tumor predisposition. Also called: DICER1-related pleuropulmonary blastoma cancer predisposition syndrome; DICER1 syndrome. Identifiers: Orphanet 284343, MedGen C3839822, MONDO:0100216.

gnomAD v4.1: 1 of 1,614,038 alleles (0.000062%); highest among the groups gnomAD compares: Non-Finnish European, 0.000085%; no homozygotes.

Submissions (3):

Ambry Genetics
Classification: Uncertain significance for Hereditary cancer-predisposing syndrome. Last evaluated: 2025-07-30. Review status: criteria provided, single submitter. Criteria: Ambry Variant Classification Scheme 2023. Collection method: clinical testing. Allele origin: germline.
Comment: The p.Y1874* variant (also known as c.5622C>G), located in coding exon 26 of the DICER1 gene, results from a C to G substitution at nucleotide position 5622. This changes the amino acid from a tyrosine to a stop codon within coding exon 26. This alteration occurs at the 3' terminus of theDICER1 gene, is not expected to trigger nonsense-mediated mRNAdecay, and impacts the last 49 amino acids of the protein. The exact functional effect of this alteration is unknown. Based on the available evidence, the clinical significance of this variant remains unclear.

Labcorp Genetics (formerly Invitae), Labcorp
Classification: Uncertain significance for DICER1-related tumor predisposition. Last evaluated: 2024-08-20. Review status: criteria provided, single submitter. Criteria: Invitae Variant Classification Sherloc (09022015). Collection method: clinical testing. Allele origin: germline.
Comment: This sequence change creates a premature translational stop signal (p.Tyr1874*) in the DICER1 gene. While this is not anticipated to result in nonsense mediated decay, it is expected to disrupt the last 49 amino acid(s) of the DICER1 protein. This variant is not present in population databases (gnomAD no frequency). This variant has not been reported in the literature in individuals affected with DICER1-related conditions. ClinVar contains an entry for this variant (Variation ID: 933131). Algorithms developed to predict the effect of sequence changes on RNA splicing suggest that this variant may disrupt the consensus splice site. In summary, the available evidence is currently insufficient to determine the role of this variant in disease. Therefore, it has been classified as a Variant of Uncertain Significance.

Foulkes Cancer Genetics LDI, Lady Davis Institute for Medical Research
Classification: Uncertain significance. Last evaluated: 2019-07-01. Review status: criteria provided, single submitter. Criteria: ACMG Guidelines, 2015. Collection method: curation. Allele origin: somatic. Affected: yes. Observed: 1 variant allele.
Comment: ACMG criteria met: PM2, BP4

Literature cited by the submitters: PubMed 28825729 (cited by Foulkes Cancer Genetics LDI, Lady Davis Institute for Medical Research).